The following is an entry in ClinVar:

NM_201548.5(CERKL):c.560A>G (p.Tyr187Cys)

Gene: CERKL (CERK like autophagy regulator; minus strand). Cytogenetic location: 2q31.3.
Variant type: single nucleotide variant.
Coding change: c.560A>G on transcript NM_201548.5 (MANE Select); coding-DNA position 560, A replaced by G.
Protein change: p.Tyr187Cys; replaces tyrosine 187 with cysteine.
Molecular consequence: missense variant. On other transcripts: non-coding transcript variant (1), intron variant (2).
Genome position (GRCh38, 1-based): chr2:181,573,806, T>C on the plus strand (A>G on the coding strand, the complement: CERKL is on the minus strand). VCF-style: chr2-181573806-T-C. GRCh37 (hg19) VCF-style: chr2-182438533-T-C.
Other names: c.560A>G, p.Tyr187Cys (NM_001030311.3, NM_001030313.3); c.482-24098A>G (NM_001030312.3); c.482-7685A>G (NM_001160277.2); short protein forms Y187C.
Identifiers: ClinVar variation 971139 (VCV000971139.9), dbSNP rs1413222044, ClinGen allele CA349744080.

ClinVar aggregate classification (germline): Uncertain significance. Review status: criteria provided, multiple submitters, no conflicts (2 of 4 stars). 3 submissions from 3 submitters: Uncertain significance (2). 1 of the submissions does not count toward it. Last evaluated 2022-09-13.

Conditions:
Retinitis pigmentosa 26 (RP26). Identifiers: Orphanet 791, MedGen C1842127, MONDO:0012024, OMIM 608380.

gnomAD v4.1: 2 of 1,612,190 alleles (0.00012%); highest among the groups gnomAD compares: Admixed American, 0.0017%; no homozygotes.

Submissions (3):

Blueprint Genetics
Classification: Uncertain significance. Last evaluated: 2022-09-13. Review status: criteria provided, single submitter. Criteria: ACMG Guidelines, 2015. Collection method: clinical testing. Allele origin: germline.

Labcorp Genetics (formerly Invitae), Labcorp
Classification: Uncertain significance. Last evaluated: 2021-09-01. Review status: criteria provided, single submitter. Criteria: Invitae Variant Classification Sherloc (09022015). Collection method: clinical testing. Allele origin: germline.
Comment: This sequence change replaces tyrosine with cysteine at codon 187 of the CERKL protein (p.Tyr187Cys). The tyrosine residue is moderately conserved and there is a large physicochemical difference between tyrosine and cysteine. This variant is not present in population databases (ExAC no frequency). This variant has not been reported in the literature in individuals affected with CERKL-related conditions. Algorithms developed to predict the effect of missense changes on protein structure and function (SIFT, PolyPhen-2, Align-GVGD) all suggest that this variant is likely to be tolerated. Algorithms developed to predict the effect of sequence changes on RNA splicing suggest that this variant may create or strengthen a splice site. In summary, the available evidence is currently insufficient to determine the role of this variant in disease. Therefore, it has been classified as a Variant of Uncertain Significance.

Natera, Inc.
Classification: Uncertain significance for Retinitis Pigmentosa 26. Last evaluated: 2025-04-10. Review status: no assertion criteria provided. Collection method: clinical testing. Allele origin: germline. Not counted in ClinVar's aggregate classification.